The following is an entry in ClinVar:

ClinVar aggregate classification (germline): Uncertain significance (1 of 4 stars; one submission).

Conditions:
Bardet-Biedl syndrome 13 (BBS13). Identifiers: Orphanet 110, MedGen C2673873, MONDO:0014441, OMIM 615990.

Allele frequency attached by ClinVar (database versions not stated): TOPMed below 0.00001; gnomAD 0.00001.

Submission:

Baylor Genetics
Classification: Uncertain significance for Bardet-Biedl syndrome 13. Last evaluated: 2020-04-24. Review status: criteria provided, single submitter. Criteria: ACMG Guidelines, 2015. Collection method: clinical testing. Allele origin: unknown. Affected: yes.
Comment: This variant was determined to be of uncertain significance according to ACMG Guidelines, 2015 [PMID:25741868].

NM_001165927.1(MKS1):c.32G>C (p.Arg11Pro)

Gene: MKS1 (MKS transition zone complex subunit 1; minus strand). Cytogenetic location: 17q22.
Variant type: single nucleotide variant.
Coding change: c.32G>C on transcript NM_001165927.1; coding-DNA position 32, G replaced by C.
Protein change: p.Arg11Pro; replaces arginine 11 with proline.
Genome position (GRCh38, 1-based): chr17:58,219,480, C>G on the plus strand (G>C on the coding strand, the complement: MKS1 is on the minus strand). VCF-style: chr17-58219480-C-G. GRCh37 (hg19) VCF-style: chr17-56296841-C-G.
Other names: NM_001165927.1:c.32G>C.
Identifiers: ClinVar variation 1027784 (VCV001027784.1), dbSNP rs1312121495, ClinGen allele CA400328313.